The following is an entry in ClinVar:

ClinVar aggregate classification (germline): Benign/Likely benign. Review status: criteria provided, multiple submitters, no conflicts (2 of 4 stars). 5 submissions from 5 submitters: Benign (2); Likely benign (2). 1 of the submissions does not count toward it. Last evaluated 2026-01-04.

Allele frequency attached by ClinVar (database versions not stated): gnomAD exomes 0.00019 and 0.00056; ExAC 0.00072; gnomAD 0.00175 and 0.00216; 1000 Genomes Project 30x 0.00219; 1000 Genomes Project 0.00220; ESP Exome Variant Server 0.00223; TOPMed 0.00230.
gnomAD v4.1: 617 of 1,613,394 alleles (0.038%); highest among the groups gnomAD compares: African/African-American, 0.7%; 2 homozygotes.

Submissions (5):

Labcorp Genetics (formerly Invitae), Labcorp
Classification: Benign. Last evaluated: 2026-01-04. Review status: criteria provided, single submitter. Criteria: Invitae Variant Classification Sherloc (09022015). Collection method: clinical testing. Allele origin: germline.

Blueprint Genetics
Classification: Likely benign. Last evaluated: 2024-07-30. Review status: criteria provided, single submitter. Criteria: ACMG Guidelines, 2015. Collection method: clinical testing. Allele origin: germline.

CeGaT Center for Human Genetics Tuebingen
Classification: Likely benign. Last evaluated: 2024-06-01. Review status: criteria provided, single submitter. Criteria: CeGaT Center For Human Genetics Tuebingen Variant Classification Criteria Version 2. Collection method: clinical testing. Allele origin: germline. Affected: yes. Observed: 1 variant allele.
Comment: POLG2: BP4, BP7

GeneDx
Classification: Benign. Last evaluated: 2014-08-08. Review status: criteria provided, single submitter. Criteria: GeneDx Variant Classification (06012015). Collection method: clinical testing. Allele origin: germline. Affected: yes.
Comment: This variant is considered likely benign or benign based on one or more of the following criteria: it is a conservative change, it occurs at a poorly conserved position in the protein, it is predicted to be benign by multiple in silico algorithms, and/or has population frequency not consistent with disease.

Mayo Clinic Laboratories, Mayo Clinic
Classification: Likely benign. Last evaluated: 2016-03-16. Review status: no assertion criteria provided. Collection method: clinical testing. Allele origin: unknown. Not counted in ClinVar's aggregate classification.

NM_007215.4(POLG2):c.927C>T (p.His309=)

Genes: MILR1 (mast cell immunoglobulin like receptor 1; plus strand), POLG2 (DNA polymerase gamma 2, accessory subunit; minus strand). Cytogenetic location: 17q23.3.
Variant type: single nucleotide variant.
Coding change: c.927C>T on transcript NM_007215.4 (MANE Select); coding-DNA position 927, C replaced by T.
Protein change: p.His309=; no amino-acid change (histidine 309 retained).
Molecular consequence: synonymous variant.
Genome position (GRCh38, 1-based): chr17:64,490,838, G>A on the plus strand (C>T on the coding strand, the complement: POLG2 is on the minus strand). VCF-style: chr17-64490838-G-A. GRCh37 (hg19) VCF-style: chr17-62486955-G-A.
Other names: p.H309H:CAC>CAT.
Identifiers: ClinVar variation 215020 (VCV000215020.33), dbSNP rs73332195, ClinGen allele CA321305.